The following is an entry in ClinVar:

ClinVar aggregate classification (germline): Uncertain significance. Review status: criteria provided, multiple submitters, no conflicts (2 of 4 stars). 2 submissions from 2 submitters: Uncertain significance (2). Last evaluated 2023-02-23.

Conditions:
Hyperkalemic periodic paralysis. Also called: Familial hyperkalemic periodic paralysis; Gamstorp disease. Identifiers: Orphanet 682, MedGen C0238357, MONDO:0008224, OMIM 170500, HP:0007215.

Submissions (2):

3billion
Classification: Uncertain significance for Hyperkalemic periodic paralysis. Last evaluated: 2023-02-23. Review status: criteria provided, single submitter. Criteria: ACMG Guidelines, 2015. Collection method: clinical testing. Allele origin: unknown. Affected: yes.
Comment: The variant is not observed in the gnomAD v2.1.1 dataset. Missense changes are a common disease-causing mechanism. In silico tool predictions suggest damaging effect of the variant on gene or gene product (REVEL: 0.79; 3Cnet: 0.45). Therefore, this variant is classified as VUS according to the recommendation of ACMG/AMP guideline.

Athena Diagnostics
Classification: Uncertain significance. Last evaluated: 2017-10-06. Review status: criteria provided, single submitter. Criteria: Athena Diagnostics Criteria. Collection method: clinical testing. Allele origin: germline.

NM_000334.4(SCN4A):c.4759C>T (p.Leu1587Phe)

Genes: GH-LCR (growth hormone locus control region; plus strand), SCN4A (sodium voltage-gated channel alpha subunit 4; minus strand). Cytogenetic location: 17q23.3.
Variant type: single nucleotide variant.
Coding change: c.4759C>T on transcript NM_000334.4 (MANE Select); coding-DNA position 4759, C replaced by T.
Protein change: p.Leu1587Phe; replaces leucine 1587 with phenylalanine.
Molecular consequence: missense variant.
Genome position (GRCh38, 1-based): chr17:63,941,523, G>A on the plus strand (C>T on the coding strand, the complement: SCN4A is on the minus strand). VCF-style: chr17-63941523-G-A. GRCh37 (hg19) VCF-style: chr17-62018883-G-A.
Other names: short protein forms L1587F.
Identifiers: ClinVar variation 586522 (VCV000586522.2), dbSNP rs1567816227, ClinGen allele CA400615035.
Genomic context (GRCh38, chr17:63,941,523, plus strand): 5'-CCTCTGTGGCCACATTGAAGTTCTCCAGGATGATGGCGATGTACATGTTGACCACGATGA[G>A]GAAGGAGATGATGATATAGCTGCAGAAGAAGCAGATGCCGATGGAGGGGTTGCCGCAGTC-3'
Protein context (NP_000325.4, residues 1577-1597): FFCSYIIISF[Leu1587Phe]IVVNMYIAII